The following is an entry in ClinVar:

ClinVar aggregate classification (germline): Uncertain significance (1 of 4 stars; one submission).

Conditions:
Hereditary cancer-predisposing syndrome. Also called: Neoplastic Syndromes, Hereditary; Tumor predisposition; Hereditary Cancer Syndrome; Hereditary neoplastic syndrome. Identifiers: Orphanet 140162, MedGen C0027672, MeSH D009386, MONDO:0015356.

Submission:

Color Diagnostics, LLC DBA Color Health
Classification: Uncertain significance for Hereditary cancer-predisposing syndrome. Last evaluated: 2024-03-06. Review status: criteria provided, single submitter. Criteria: ACMG Guidelines, 2015. Collection method: clinical testing. Allele origin: germline.
Comment: This missense variant replaces threonine with serine at codon 2515 of the BRCA2 protein. Computational prediction suggests that this variant may not impact protein structure and function (internally defined REVEL score threshold <= 0.5, PMID: 27666373). To our knowledge, functional studies have not been reported for this variant. This variant has not been reported in individuals affected with hereditary cancer in the literature. This variant has not been identified in the general population by the Genome Aggregation Database (gnomAD). The available evidence is insufficient to determine the role of this variant in disease conclusively. Therefore, this variant is classified as a Variant of Uncertain Significance.

NM_000059.4(BRCA2):c.7543A>T (p.Thr2515Ser)

Gene: BRCA2 (BRCA2 DNA repair associated; plus strand). Cytogenetic location: 13q13.1.
Variant type: single nucleotide variant.
Coding change: c.7543A>T on transcript NM_000059.4 (MANE Select); coding-DNA position 7543, A replaced by T.
Protein change: p.Thr2515Ser; replaces threonine 2515 with serine.
Molecular consequence: missense variant.
Genome position (GRCh38, 1-based): chr13:32,356,535, A>T. VCF-style: chr13-32356535-A-T. GRCh37 (hg19) VCF-style: chr13-32930672-A-T.
Other names: short protein forms T2515S.
Identifiers: ClinVar variation 926802 (VCV000926802.4), dbSNP rs1224022477, ClinGen allele CA387743645.